The following is an entry in ClinVar:

ClinVar aggregate classification (germline): Uncertain significance (1 of 4 stars; one submission).

Conditions:
MC4R-related disorder. Also called: MC4R-related condition.

Submission:

PreventionGenetics, part of Exact Sciences
Classification: Uncertain significance for MC4R-related condition. Last evaluated: 2025-11-26. Review status: criteria provided, single submitter. Criteria: ACMG Guidelines, 2015. Collection method: clinical testing. Allele origin: germline.
Comment: The MC4R c.613C>G variant is predicted to result in the amino acid substitution p.Leu205Val. To our knowledge, this variant has not been reported in the literature or in a large population database (gnomAD), indicating this variant is rare. At this time, the clinical significance of this variant is uncertain due to the absence of conclusive functional and genetic evidence.

NM_005912.3(MC4R):c.613C>G (p.Leu205Val)

Gene: MC4R (melanocortin 4 receptor; minus strand). Cytogenetic location: 18q21.32.
Variant type: single nucleotide variant.
Coding change: c.613C>G on transcript NM_005912.3 (MANE Select); coding-DNA position 613, C replaced by G.
Protein change: p.Leu205Val; replaces leucine 205 with valine.
Molecular consequence: missense variant.
Genome position (GRCh38, 1-based): chr18:60,371,737, G>C on the plus strand (C>G on the coding strand, the complement: MC4R is on the minus strand). VCF-style: chr18-60371737-G-C. GRCh37 (hg19) VCF-style: chr18-58038970-G-C.
Other names: short protein forms L205V.
Identifiers: ClinVar variation 4995674 (VCV004995674.1).